The following is an entry in ClinVar:

NC_000011.10:g.47342825C>T

Gene: MYBPC3 (myosin binding protein C3; minus strand). Cytogenetic location: 11p11.2.
Variant type: single nucleotide variant.
Genome position: GRCh38 VCF-style: chr11-47342825-C-T. GRCh37 (hg19) VCF-style: chr11-47364376-C-T.
Other names: c.1457+5G>A (LRG_386t1, NM_000256.3).
Identifiers: ClinVar variation 180939 (VCV000180939.13), dbSNP rs727503202, ClinGen allele CA010344.

ClinVar aggregate classification (germline): Conflicting classifications of pathogenicity. Review status: criteria provided, conflicting classifications (1 of 4 stars). 3 submissions from 3 submitters: Likely pathogenic (1); Uncertain significance (2). Last evaluated 2024-01-22.

Conditions:
Cardiovascular phenotype. Identifiers: MedGen CN230736.
Hypertrophic cardiomyopathy. Also called: HYPERTROPHIC MYOCARDIOPATHY. Identifiers: Orphanet 217569, MedGen C0007194, MeSH D002312, MONDO:0005045, HP:0001639.

Allele frequency attached by ClinVar (database versions not stated): TOPMed below 0.00001; gnomAD 0.00001.
gnomAD v4.1: 1 of 1,612,370 alleles (0.000062%); highest among the groups gnomAD compares: Admixed American, 0.0017%; no homozygotes.

Submissions (3):

Labcorp Genetics (formerly Invitae), Labcorp
Classification: Uncertain significance for Hypertrophic cardiomyopathy. Last evaluated: 2024-01-22. Review status: criteria provided, single submitter. Criteria: Invitae Variant Classification Sherloc (09022015). Collection method: clinical testing. Allele origin: germline.
Comment: This sequence change falls in intron 16 of the MYBPC3 gene. It does not directly change the encoded amino acid sequence of the MYBPC3 protein. It affects a nucleotide within the consensus splice site. This variant is not present in population databases (gnomAD no frequency). This variant has been observed in individual(s) with hypertrophic cardiomyopathy (Invitae). ClinVar contains an entry for this variant (Variation ID: 180939). Variants that disrupt the consensus splice site are a relatively common cause of aberrant splicing (PMID: 17576681, 9536098). Algorithms developed to predict the effect of sequence changes on RNA splicing suggest that this variant may disrupt the consensus splice site. This variant disrupts the c.1457+5G nucleotide in the MYBPC3 gene. Other variant(s) that disrupt this nucleotide have been determined to be pathogenic (PMID: 25351510, 28679633). This suggests that this nucleotide is clinically significant, and that variants that disrupt this position are likely to be disease-causing. In summary, the available evidence is currently insufficient to determine the role of this variant in disease. Therefore, it has been classified as a Variant of Uncertain Significance.

GeneDx
Classification: Likely pathogenic. Last evaluated: 2023-08-01. Review status: criteria provided, single submitter. Criteria: GeneDx Variant Classification Process June 2021. Collection method: clinical testing. Allele origin: germline. Affected: yes.
Comment: Intronic variant directly or indirectly altering the +5 splice site in a gene for which loss of function is a known mechanism of disease, and splice predictors support a deleterious effect; Not observed at significant frequency in large population cohorts (gnomAD); Has not been previously published as pathogenic or benign to our knowledge; This variant is associated with the following publications: (PMID: 28679633)

Ambry Genetics
Classification: Uncertain significance for Cardiovascular phenotype. Last evaluated: 2019-01-14. Review status: criteria provided, single submitter. Criteria: Ambry Variant Classification Scheme 2023. Collection method: clinical testing. Allele origin: germline.
Comment: The c.1457+5G>A intronic variant results from a G to A substitution 5 nucleotides after coding exon 16 in the MYBPC3 gene. This nucleotide position is highly conserved in available vertebrate species. Using two different splice site prediction tools, this alteration is predicted by BDGP to abolish the native splice donor site, but is predicted to weaken (but not abolish) the efficiency of the native splice donor site by ESEfinder; however, direct evidence is unavailable. Since supporting evidence is limited at this time, the clinical significance of this alteration remains unclear.

Literature cited by the submitters: PubMed 17576681 (cited by Labcorp Genetics (formerly Invitae), Labcorp); PubMed 9536098 (cited by Labcorp Genetics (formerly Invitae), Labcorp); PubMed 25351510 (cited by Labcorp Genetics (formerly Invitae), Labcorp); PubMed 28679633 (cited by Labcorp Genetics (formerly Invitae), Labcorp).